The following is an entry in ClinVar:

NM_000440.3(PDE6A):c.321G>C (p.Glu107Asp)

Gene: PDE6A (phosphodiesterase 6A; minus strand). Cytogenetic location: 5q32.
Variant type: single nucleotide variant.
Coding change: c.321G>C on transcript NM_000440.3 (MANE Select); coding-DNA position 321, G replaced by C.
Protein change: p.Glu107Asp; replaces glutamic acid 107 with aspartic acid.
Molecular consequence: missense variant.
Genome position (GRCh38, 1-based): chr5:149,944,353, C>G on the plus strand (G>C on the coding strand, the complement: PDE6A is on the minus strand). VCF-style: chr5-149944353-C-G. GRCh37 (hg19) VCF-style: chr5-149323916-C-G.
Other names: c.321G>C, p.Glu107Asp (NM_001410788.1); short protein forms E107D.
Identifiers: ClinVar variation 2101939 (VCV002101939.5), dbSNP rs758645776, ClinGen allele CA3505077.

ClinVar aggregate classification (germline): Uncertain significance. Review status: criteria provided, multiple submitters, no conflicts (2 of 4 stars). 2 submissions from 2 submitters: Uncertain significance (2). Last evaluated 2022-08-03.

Conditions:
Inborn genetic diseases. Identifiers: MedGen C0950123, MeSH D030342.

Allele frequency attached by ClinVar (database versions not stated): ExAC 0.00001.
gnomAD v4.1: 7 of 1,614,112 alleles (0.00043%); highest among the groups gnomAD compares: South Asian, 0.0077%; no homozygotes.

Submissions (2):

Labcorp Genetics (formerly Invitae), Labcorp
Classification: Uncertain significance. Last evaluated: 2022-08-03. Review status: criteria provided, single submitter. Criteria: Invitae Variant Classification Sherloc (09022015). Collection method: clinical testing. Allele origin: germline.
Comment: In summary, the available evidence is currently insufficient to determine the role of this variant in disease. Therefore, it has been classified as a Variant of Uncertain Significance. Algorithms developed to predict the effect of missense changes on protein structure and function are either unavailable or do not agree on the potential impact of this missense change (SIFT: "Deleterious"; PolyPhen-2: "Probably Damaging"; Align-GVGD: "Class C0"). This variant has not been reported in the literature in individuals affected with PDE6A-related conditions. This variant is present in population databases (rs758645776, gnomAD 0.01%). This sequence change replaces glutamic acid, which is acidic and polar, with aspartic acid, which is acidic and polar, at codon 107 of the PDE6A protein (p.Glu107Asp).

Ambry Genetics
Classification: Uncertain significance for Inborn genetic diseases. Last evaluated: 2021-10-12. Review status: criteria provided, single submitter. Criteria: Ambry Variant Classification Scheme 2023. Collection method: clinical testing. Allele origin: germline.